The following is an entry in ClinVar:

ClinVar aggregate classification (germline): Uncertain significance (0 of 4 stars; one submission).

Conditions:
PCSK1-related disorder. Also called: PCSK1-related condition.

Submission:

PreventionGenetics, part of Exact Sciences
Classification: Uncertain significance for PCSK1-related condition. Last evaluated: 2024-08-08. Review status: no assertion criteria provided. Collection method: clinical testing. Allele origin: germline.
Comment: The PCSK1 c.952G>T variant is predicted to result in the amino acid substitution p.Asp318Tyr. To our knowledge, this variant has not been reported in the literature or in a large population database, indicating this variant is rare. At this time, the clinical significance of this variant is uncertain due to the absence of conclusive functional and genetic evidence.

NM_000439.5(PCSK1):c.952G>T (p.Asp318Tyr)

Genes: CAST (calpastatin; plus strand), PCSK1 (proprotein convertase subtilisin/kexin type 1; minus strand), LOC101929710 (uncharacterized LOC101929710; plus strand). Cytogenetic location: 5q15.
Variant type: single nucleotide variant.
Coding change: c.952G>T on transcript NM_000439.5 (MANE Select); coding-DNA position 952, G replaced by T.
Protein change: p.Asp318Tyr; replaces aspartic acid 318 with tyrosine.
Molecular consequence: missense variant. On other transcripts: intron variant (11).
Genome position (GRCh38, 1-based): chr5:96,410,917, C>A on the plus strand (G>T on the coding strand, the complement: PCSK1 is on the minus strand). VCF-style: chr5-96410917-C-A. GRCh37 (hg19) VCF-style: chr5-95746621-C-A.
Other names: c.-40+31265C>A (NM_001423258.1); c.-175+31265C>A (NM_001423252.1, NM_001423257.1, NM_001423260.1 and 6 more transcripts); c.811G>T, p.Asp271Tyr (NM_001177875.2); c.-103+31265C>A (NM_001423253.1); short protein forms D271Y, D318Y.
Identifiers: ClinVar variation 3346888 (VCV003346888.1).